The following is an entry in ClinVar:

NM_020964.3(EPG5):c.7258T>C (p.Trp2420Arg)

Gene: EPG5 (ectopic P-granules 5 autophagy tethering factor; minus strand). Cytogenetic location: 18q12.3.
Variant type: single nucleotide variant.
Coding change: c.7258T>C on transcript NM_020964.3 (MANE Select); coding-DNA position 7258, T replaced by C.
Protein change: p.Trp2420Arg; replaces tryptophan 2420 with arginine.
Molecular consequence: missense variant.
Genome position (GRCh38, 1-based): chr18:45,858,037, A>G on the plus strand (T>C on the coding strand, the complement: EPG5 is on the minus strand). VCF-style: chr18-45858037-A-G. GRCh37 (hg19) VCF-style: chr18-43438002-A-G.
Other names: short protein forms W2420R.
Identifiers: ClinVar variation 1043928 (VCV001043928.9), dbSNP rs777351158, ClinGen allele CA8948036.

ClinVar aggregate classification (germline): Uncertain significance. Review status: criteria provided, multiple submitters, no conflicts (2 of 4 stars). 2 submissions from 2 submitters: Uncertain significance (2). Last evaluated 2021-08-20.

Conditions:
Vici syndrome (VICIS). Identifiers: Orphanet 1493, MedGen C1855772, MONDO:0009452, OMIM 242840.
Inborn genetic diseases. Identifiers: MedGen C0950123, MeSH D030342.

Allele frequency attached by ClinVar (database versions not stated): ExAC 0.00001; gnomAD 0.00001; gnomAD exomes 0.00001; TOPMed 0.00002.
gnomAD v4.1: 21 of 1,613,676 alleles (0.0013%); highest among the groups gnomAD compares: Non-Finnish European, 0.0017%; no homozygotes.

Submissions (2):

Labcorp Genetics (formerly Invitae), Labcorp
Classification: Uncertain significance for Vici syndrome. Last evaluated: 2021-08-20. Review status: criteria provided, single submitter. Criteria: Invitae Variant Classification Sherloc (09022015). Collection method: clinical testing. Allele origin: germline.
Comment: This sequence change replaces tryptophan with arginine at codon 2420 of the EPG5 protein (p.Trp2420Arg). The tryptophan residue is moderately conserved and there is a moderate physicochemical difference between tryptophan and arginine. This variant is present in population databases (rs777351158, ExAC 0.002%). This variant has not been reported in the literature in individuals affected with EPG5-related conditions. Algorithms developed to predict the effect of missense changes on protein structure and function are either unavailable or do not agree on the potential impact of this missense change (SIFT: "Tolerated"; PolyPhen-2: "Possibly Damaging"; Align-GVGD: "Class C0"). In summary, the available evidence is currently insufficient to determine the role of this variant in disease. Therefore, it has been classified as a Variant of Uncertain Significance.

Ambry Genetics
Classification: Uncertain significance for Inborn genetic diseases. Last evaluated: 2020-11-23. Review status: criteria provided, single submitter. Criteria: Ambry Variant Classification Scheme 2023. Collection method: clinical testing. Allele origin: germline.